The following is an entry in ClinVar:

ClinVar aggregate classification (germline): Likely benign (1 of 4 stars; one submission).

Allele frequency attached by ClinVar (database versions not stated): ExAC 0.00106; 1000 Genomes Project 0.00180; gnomAD 0.00214; 1000 Genomes Project 30x 0.00265.

Submission:

CeGaT Center for Human Genetics Tuebingen
Classification: Likely benign. Last evaluated: 2024-07-01. Review status: criteria provided, single submitter. Criteria: CeGaT Center For Human Genetics Tuebingen Variant Classification Criteria Version 2. Collection method: clinical testing. Allele origin: germline. Affected: yes. Observed: 1 variant allele.
Comment: CNTNAP3B: BS2

NM_001201380.3(CNTNAP3B):c.2323G>A (p.Glu775Lys)

Gene: CNTNAP3B (contactin associated protein family member 3B; minus strand). Cytogenetic location: 9p11.2.
Variant type: single nucleotide variant.
Coding change: c.2323G>A on transcript NM_001201380.3 (MANE Select); coding-DNA position 2323, G replaced by A.
Protein change: p.Glu775Lys; replaces glutamic acid 775 with lysine.
Molecular consequence: missense variant.
Genome position (GRCh38, 1-based): chr9:41,929,359, C>T on the plus strand (G>A on the coding strand, the complement: CNTNAP3B is on the minus strand). VCF-style: chr9-41929359-C-T. GRCh37 (hg19) VCF-style: chr9-43885030-G-A.
Other names: short protein forms E775K.
Identifiers: ClinVar variation 3025269 (VCV003025269.22), dbSNP rs567564394, ClinGen allele CA5068775.